The following is an entry in ClinVar:

NM_025099.6(CTC1):c.2894C>T (p.Ala965Val)

Gene: CTC1 (CST telomere replication complex component 1; minus strand). Cytogenetic location: 17p13.1.
Variant type: single nucleotide variant.
Coding change: c.2894C>T on transcript NM_025099.6 (MANE Select); coding-DNA position 2894, C replaced by T.
Protein change: p.Ala965Val; replaces alanine 965 with valine.
Molecular consequence: missense variant. On other transcripts: non-coding transcript variant (1).
Genome position (GRCh38, 1-based): chr17:8,230,333, G>A on the plus strand (C>T on the coding strand, the complement: CTC1 is on the minus strand). VCF-style: chr17-8230333-G-A. GRCh37 (hg19) VCF-style: chr17-8133651-G-A.
Other names: short protein forms A965V.
Identifiers: ClinVar variation 934199 (VCV000934199.9), dbSNP rs1987104355, ClinGen allele CA397973862.

ClinVar aggregate classification (germline): Uncertain significance (1 of 4 stars; one submission).

Conditions:
Dyskeratosis congenita. Identifiers: Orphanet 1775, MedGen C0265965, MONDO:0015780.

Submission:

Labcorp Genetics (formerly Invitae), Labcorp
Classification: Uncertain significance for Dyskeratosis congenita. Last evaluated: 2019-07-14. Review status: criteria provided, single submitter. Criteria: Invitae Variant Classification Sherloc (09022015). Collection method: clinical testing. Allele origin: germline.
Comment: This variant is not present in population databases (ExAC no frequency). This sequence change replaces alanine with valine at codon 965 of the CTC1 protein (p.Ala965Val). The alanine residue is highly conserved and there is a small physicochemical difference between alanine and valine. This variant has not been reported in the literature in individuals with CTC1-related conditions. Algorithms developed to predict the effect of missense changes on protein structure and function are either unavailable or do not agree on the potential impact of this missense change (SIFT: "Deleterious"; PolyPhen-2: "Probably Damaging"; Align-GVGD: "Class C0"). In summary, the available evidence is currently insufficient to determine the role of this variant in disease. Therefore, it has been classified as a Variant of Uncertain Significance.